The following is an entry in ClinVar:

ClinVar aggregate classification (germline): Pathogenic (1 of 4 stars; one submission).

Submission:

Labcorp Genetics (formerly Invitae), Labcorp
Classification: Pathogenic. Last evaluated: 2024-02-05. Review status: criteria provided, single submitter. Criteria: Invitae Variant Classification Sherloc (09022015). Collection method: clinical testing. Allele origin: germline.
Comment: This sequence change creates a premature translational stop signal (p.Val97Serfs*69) in the GDF1 gene. While this is not anticipated to result in nonsense mediated decay, it is expected to disrupt the last 276 amino acid(s) of the GDF1 protein. This variant is not present in population databases (gnomAD no frequency). This variant has not been reported in the literature in individuals affected with GDF1-related conditions. ClinVar contains an entry for this variant (Variation ID: 850258). This variant disrupts a region of the GDF1 protein in which other variant(s) (p.Cys277*) have been determined to be pathogenic (PMID: 20413652). This suggests that this is a clinically significant region of the protein, and that variants that disrupt it are likely to be disease-causing. For these reasons, this variant has been classified as Pathogenic.

Literature cited by the submitters: PubMed 20413652.

NM_001492.6(GDF1):c.289del (p.Val97fs)

Genes: CERS1 (ceramide synthase 1; minus strand), GDF1 (growth differentiation factor 1; minus strand). Cytogenetic location: 19p13.11.
Variant type: Deletion.
Coding change: c.289del on transcript NM_001492.6 (MANE Select); coding-DNA position 289, one base deleted (G; older notation c.289delG).
Protein change: p.Val97fs; shifts the reading frame from valine 97.
Molecular consequence: frameshift variant. On other transcripts: 3 prime UTR variant (2).
Genome position (GRCh38, 1-based): chr19:18,870,019, C deleted on the plus strand (G on the coding strand, the reverse complement: GDF1 is on the minus strand); the first of 5 consecutive C bases (chr19:18,870,019-18,870,023); deleting any one gives the same sequence. VCF-style (leftmost placement, unchanged base first): chr19-18870018-AC-A. GRCh37 (hg19) VCF-style: chr19-18980827-AC-A.
Other names: c.*558del (NM_001387440.1, NM_021267.5); c.289del, p.Val97fs (NM_001387438.1); short protein forms V97fs.
Identifiers: ClinVar variation 850258 (VCV000850258.10), dbSNP rs2055936732, ClinGen allele CA916083690.